The following is an entry in ClinVar:

NM_015338.6(ASXL1):c.203del (p.Glu68fs)

Gene: ASXL1 (ASXL transcriptional regulator 1; plus strand). Cytogenetic location: 20q11.21.
Variant type: Deletion.
Coding change: c.203del on transcript NM_015338.6 (MANE Select); coding-DNA position 203, one base deleted (A; older notation c.203delA).
Protein change: p.Glu68fs; shifts the reading frame from glutamic acid 68.
Molecular consequence: frameshift variant.
Genome position (GRCh38, 1-based): chr20:32,369,074, A deleted. VCF-style (leftmost placement, unchanged base first): chr20-32369073-GA-G. GRCh37 (hg19) VCF-style: chr20-30956876-GA-G.
Other names: c.203del, p.Glu68fs (NM_001164603.1); c.173del, p.Glu58fs (NM_001363734.1); short protein forms E58fs, E68fs.
Identifiers: ClinVar variation 1451498 (VCV001451498.6), dbSNP rs2122833556, ClinGen allele CA2573156967.

ClinVar aggregate classification (germline): Pathogenic (1 of 4 stars; one submission).

Submission:

Labcorp Genetics (formerly Invitae), Labcorp
Classification: Pathogenic. Last evaluated: 2022-10-24. Review status: criteria provided, single submitter. Criteria: Invitae Variant Classification Sherloc (09022015). Collection method: clinical testing. Allele origin: germline.
Comment: For these reasons, this variant has been classified as Pathogenic. ClinVar contains an entry for this variant (Variation ID: 1451498). This variant has not been reported in the literature in individuals affected with ASXL1-related conditions. This variant is not present in population databases (gnomAD no frequency). This sequence change creates a premature translational stop signal (p.Glu68Glyfs*52) in the ASXL1 gene. It is expected to result in an absent or disrupted protein product. Loss-of-function variants in ASXL1 are known to be pathogenic (PMID: 21706002).

Literature cited by the submitters: PubMed 21706002.